The following is an entry in ClinVar:

ClinVar aggregate classification (germline): Uncertain significance (1 of 4 stars; one submission).

Allele frequency attached by ClinVar (database versions not stated): gnomAD exomes below 0.00001; TOPMed below 0.00001; gnomAD 0.00001.
gnomAD v4.1: 2 of 1,613,986 alleles (0.00012%); highest among the groups gnomAD compares: Non-Finnish European, 0.00017%; no homozygotes.

Submission:

Labcorp Genetics (formerly Invitae), Labcorp
Classification: Uncertain significance. Last evaluated: 2022-04-17. Review status: criteria provided, single submitter. Criteria: Invitae Variant Classification Sherloc (09022015). Collection method: clinical testing. Allele origin: germline.
Comment: In summary, the available evidence is currently insufficient to determine the role of this variant in disease. Therefore, it has been classified as a Variant of Uncertain Significance. Algorithms developed to predict the effect of missense changes on protein structure and function are either unavailable or do not agree on the potential impact of this missense change (SIFT: "Deleterious"; PolyPhen-2: "Benign"; Align-GVGD: "Class C0"). This sequence change replaces valine, which is neutral and non-polar, with glycine, which is neutral and non-polar, at codon 291 of the ELOVL4 protein (p.Val291Gly). This variant is not present in population databases (gnomAD no frequency). This variant has not been reported in the literature in individuals affected with ELOVL4-related conditions.

NM_022726.4(ELOVL4):c.872T>G (p.Val291Gly)

Gene: ELOVL4 (ELOVL fatty acid elongase 4; minus strand). Cytogenetic location: 6q14.1.
Variant type: single nucleotide variant.
Coding change: c.872T>G on transcript NM_022726.4 (MANE Select); coding-DNA position 872, T replaced by G.
Protein change: p.Val291Gly; replaces valine 291 with glycine.
Molecular consequence: missense variant.
Genome position (GRCh38, 1-based): chr6:79,916,681, A>C on the plus strand (T>G on the coding strand, the complement: ELOVL4 is on the minus strand). VCF-style: chr6-79916681-A-C. GRCh37 (hg19) VCF-style: chr6-80626398-A-C.
Other names: short protein forms V291G.
Identifiers: ClinVar variation 2127212 (VCV002127212.4), dbSNP rs1311967176, ClinGen allele CA364655664.
Genomic context (GRCh38, chr6:79,916,681, plus strand): 5'-GCTTTTCCATTTTTCTGCTTTTTTCCATTTTCTATCATGAGTTGTTTTTCTGATTTGCTC[A>C]CACCATTTGCTGAAATACCATTCATGGCTGTTTTTCCAGCTTTTGGTTTCTTAGGCTCTT-3'
Protein context (NP_073563.1, residues 281-301): TAMNGISANG[Val291Gly]SKSEKQLMIE